The following is an entry in ClinVar:

NM_001035.3(RYR2):c.6412G>A (p.Glu2138Lys)

Gene: RYR2 (ryanodine receptor 2; plus strand). Cytogenetic location: 1q43.
Variant type: single nucleotide variant.
Coding change: c.6412G>A on transcript NM_001035.3 (MANE Select); coding-DNA position 6412, G replaced by A.
Protein change: p.Glu2138Lys; replaces glutamic acid 2138 with lysine.
Molecular consequence: missense variant.
Genome position (GRCh38, 1-based): chr1:237,628,052, G>A. VCF-style: chr1-237628052-G-A. GRCh37 (hg19) VCF-style: chr1-237791352-G-A.
Other names: c.6412G>A, p.Glu2138Lys (LRG_402t1); short protein forms E2138K.
Identifiers: ClinVar variation 532366 (VCV000532366.10), dbSNP rs1553531703, ClinGen allele CA345411490.
Genomic context (GRCh38, chr1:237,628,052, plus strand): 5'-AACCTGCTGGCATCCCTTGGTCAGATTCGGTCCCTGCTGAGTGTGAGAATGGGCAAAGAA[G>A]AAGAGAAGCTCATGATTCGTGGATTAGGGTAAATTATTTAACTACTACAACCCTTTGTCT-3'
Protein context (NP_001026.2, residues 2128-2148): SLLSVRMGKE[Glu2138Lys]EKLMIRGLGD

ClinVar aggregate classification (germline): Likely pathogenic (1 of 4 stars; one submission).

Conditions:
Catecholaminergic polymorphic ventricular tachycardia 1. Also called: VENTRICULAR TACHYCARDIA, CATECHOLAMINERGIC POLYMORPHIC, 1, WITH OR WITHOUT ATRIAL DYSFUNCTION AND/OR DILATED CARDIOMYOPATHY; RYR2-Related Catecholaminergic Polymorphic Ventricular Tachycardia; VENTRICULAR TACHYCARDIA, STRESS-INDUCED POLYMORPHIC 1. Identifiers: Orphanet 3286, MedGen C1631597, MONDO:0011484, OMIM 604772.

Submission:

Labcorp Genetics (formerly Invitae), Labcorp
Classification: Likely pathogenic for Catecholaminergic polymorphic ventricular tachycardia 1. Last evaluated: 2018-01-08. Review status: criteria provided, single submitter. Criteria: Invitae Variant Classification Sherloc (09022015). Collection method: clinical testing. Allele origin: germline.
Comment: In summary, the currently available evidence indicates that the variant is pathogenic, but additional data are needed to prove that conclusively. Therefore, this variant has been classified as Likely Pathogenic. Algorithms developed to predict the effect of missense changes on protein structure and function (SIFT, PolyPhen-2, Align-GVGD) all suggest that this variant is likely to be disruptive, but these predictions have not been confirmed by published functional studies and their clinical significance is uncertain. This variant has been reported to be de novo in an individual affected with arrhythmia (Invitae). This variant is not present in population databases (ExAC no frequency). This sequence change replaces glutamic acid with lysine at codon 2138 of the RYR2 protein (p.Glu2138Lys). The glutamic acid residue is highly conserved and there is a small physicochemical difference between glutamic acid and lysine.